The following is an entry in ClinVar:

ClinVar aggregate classification (germline): Uncertain significance (1 of 4 stars; one submission).

Conditions:
TWNK-related disorder. Also called: TWNK-related condition.

Submission:

PreventionGenetics, part of Exact Sciences
Classification: Uncertain significance for TWNK-related condition. Last evaluated: 2024-12-06. Review status: criteria provided, single submitter. Criteria: ACMG Guidelines, 2015. Collection method: clinical testing. Allele origin: germline.
Comment: The TWNK c.1081C>G variant is predicted to result in the amino acid substitution p.Pro361Ala. To our knowledge, this variant has not been reported in the literature or in a large population database (gnomAD), indicating this variant is rare. At this time, the clinical significance of this variant is uncertain due to the absence of conclusive functional and genetic evidence.

NM_021830.5(TWNK):c.1081C>G (p.Pro361Ala)

Gene: TWNK (twinkle mtDNA helicase; plus strand). Cytogenetic location: 10q24.31.
Variant type: single nucleotide variant.
Coding change: c.1081C>G on transcript NM_021830.5 (MANE Select); coding-DNA position 1081, C replaced by G.
Protein change: p.Pro361Ala; replaces proline 361 with alanine.
Molecular consequence: missense variant. On other transcripts: non-coding transcript variant (4), intron variant (3).
Genome position (GRCh38, 1-based): chr10:100,989,291, C>G. VCF-style: chr10-100989291-C-G. GRCh37 (hg19) VCF-style: chr10-102749048-C-G.
Other names: c.1081C>G, p.Pro361Ala (NM_001163812.2); c.-119-353C>G (NM_001163814.2, NM_001163813.2); c.-57-415C>G (NM_001368275.1); short protein forms P361A.
Identifiers: ClinVar variation 4985399 (VCV004985399.1).
Genomic context (GRCh38, chr10:100,989,291, plus strand): 5'-CGTCCCCTGGAGGCCCTGAACGGAGGCTTCAATCTTTCTCGTATTCTTCGTACCGCCCTG[C>G]CTGCCTGGCACAAGTCCATCGTATCTTTCCGGCAGCTTCGGGAGGAGGTGCTAGGAGAAC-3'
Protein context (NP_068602.2, residues 351-371): NLSRILRTAL[Pro361Ala]AWHKSIVSFR